The following is an entry in ClinVar:

ClinVar aggregate classification (germline): Uncertain significance (1 of 4 stars; one submission).

Conditions:
Autosomal dominant nocturnal frontal lobe epilepsy 5. Also called: KCNT1-Related Epilepsy; CILIARY DYSKINESIA, PRIMARY, 28, WITHOUT SITUS INVERSUS; CILIARY DYSKINESIA, PRIMARY, 28, WITH SITUS INVERSUS; Epilepsy, nocturnal frontal lobe, 5. Identifiers: Orphanet 98784, MedGen C3554306, MONDO:0014002, OMIM 615005.
Developmental and epileptic encephalopathy, 14 (DEE14). Also called: Early infantile epileptic encephalopathy 14. Identifiers: Orphanet 293181, MedGen C3554195, MONDO:0013989, OMIM 614959.

Submission:

Labcorp Genetics (formerly Invitae), Labcorp
Classification: Uncertain significance for Autosomal dominant nocturnal frontal lobe epilepsy 5; Developmental and epileptic encephalopathy, 14. Last evaluated: 2024-06-05. Review status: criteria provided, single submitter. Criteria: Invitae Variant Classification Sherloc (09022015). Collection method: clinical testing. Allele origin: germline.
Comment: This sequence change replaces arginine, which is basic and polar, with proline, which is neutral and non-polar, at codon 910 of the KCNT1 protein (p.Arg910Pro). This variant also falls at the last nucleotide of exon 23, which is part of the consensus splice site for this exon. This variant is not present in population databases (gnomAD no frequency). This variant has not been reported in the literature in individuals affected with KCNT1-related conditions. An algorithm developed to predict the effect of missense changes on protein structure and function (PolyPhen-2) suggests that this variant is likely to be disruptive. Variants that disrupt the consensus splice site are a relatively common cause of aberrant splicing (PMID: 17576681, 9536098). Algorithms developed to predict the effect of sequence changes on RNA splicing suggest that this variant may disrupt the consensus splice site. In summary, the available evidence is currently insufficient to determine the role of this variant in disease. Therefore, it has been classified as a Variant of Uncertain Significance.

Literature cited by the submitters: PubMed 17576681; PubMed 9536098.

NM_020822.3(KCNT1):c.2729G>C (p.Arg910Pro)

Gene: KCNT1 (potassium sodium-activated channel subfamily T member 1; plus strand). Cytogenetic location: 9q34.3.
Variant type: single nucleotide variant.
Coding change: c.2729G>C on transcript NM_020822.3 (MANE Select); coding-DNA position 2729, G replaced by C.
Protein change: p.Arg910Pro; replaces arginine 910 with proline.
Molecular consequence: missense variant.
Genome position (GRCh38, 1-based): chr9:135,778,822, G>C. VCF-style: chr9-135778822-G-C. GRCh37 (hg19) VCF-style: chr9-138670668-G-C.
Other names: c.2594G>C, p.Arg865Pro (NM_001272003.2); short protein forms R865P, R910P.
Identifiers: ClinVar variation 3758571 (VCV003758571.2).
Genomic context (GRCh38, chr9:135,778,822, plus strand): 5'-GCGCCGAGGAGGACTACATGGCGGACGCCAAGACCATCGTCAACGTGCAGACCATGTTCC[G>C]GTGCGTCCAGTGTCCGGGGCTCGGCTCTAAACCACCCCACAGCCACGACCACGGGCCCTC-3'
Protein context (NP_065873.2, residues 900-920): KTIVNVQTMF[Arg910Pro]LFPSLSITTE